The following is an entry in ClinVar:

NM_014974.3(DIP2C):c.3197C>T (p.Ala1066Val)

Gene: DIP2C (DIP2 acetate--CoA ligase C (putative); minus strand). Cytogenetic location: 10p15.3.
Variant type: single nucleotide variant.
Coding change: c.3197C>T on transcript NM_014974.3 (MANE Select); coding-DNA position 3197, C replaced by T.
Protein change: p.Ala1066Val; replaces alanine 1066 with valine.
Molecular consequence: missense variant.
Genome position (GRCh38, 1-based): chr10:348,675, G>A on the plus strand (C>T on the coding strand, the complement: DIP2C is on the minus strand). VCF-style: chr10-348675-G-A. GRCh37 (hg19) VCF-style: chr10-394615-G-A.
Other names: c.3197C>T (NM_014974.2); short protein forms A1066V.
Identifiers: ClinVar variation 1485143 (VCV001485143.9), dbSNP rs200201760, ClinGen allele CA5380085.

ClinVar aggregate classification (germline): Uncertain significance. Review status: criteria provided, multiple submitters, no conflicts (2 of 4 stars). 2 submissions from 2 submitters: Uncertain significance (2). Last evaluated 2025-12-10.

Conditions:
Inborn genetic diseases. Identifiers: MedGen C0950123, MeSH D030342.

Allele frequency attached by ClinVar (database versions not stated): gnomAD 0.00003 and 0.00004; TOPMed 0.00007; gnomAD exomes 0.00008; ExAC 0.00010; ESP Exome Variant Server 0.00023.
gnomAD v4.1: 121 of 1,613,576 alleles (0.0075%); highest among the groups gnomAD compares: South Asian, 0.013%; no homozygotes.

Submissions (2):

Labcorp Genetics (formerly Invitae), Labcorp
Classification: Uncertain significance. Last evaluated: 2025-12-10. Review status: criteria provided, single submitter. Criteria: Invitae Variant Classification Sherloc (09022015). Collection method: clinical testing. Allele origin: germline.
Comment: This sequence change replaces alanine, which is neutral and non-polar, with valine, which is neutral and non-polar, at codon 1066 of the DIP2C protein (p.Ala1066Val). This variant is present in population databases (rs200201760, gnomAD 0.02%). This variant has not been reported in the literature in individuals affected with DIP2C-related conditions. ClinVar contains an entry for this variant (Variation ID: 1485143). An algorithm developed to predict the effect of missense changes on protein structure and function (PolyPhen-2) suggests that this variant is likely to be tolerated. In summary, the available evidence is currently insufficient to determine the role of this variant in disease. Therefore, it has been classified as a Variant of Uncertain Significance.

Ambry Genetics
Classification: Uncertain significance for Inborn genetic diseases. Last evaluated: 2021-11-16. Review status: criteria provided, single submitter. Criteria: Ambry Variant Classification Scheme 2023. Collection method: clinical testing. Allele origin: germline.